The following is an entry in ClinVar:

NM_002485.5(NBN):c.1556A>T (p.Asp519Val)

Gene: NBN (nibrin; minus strand). Cytogenetic location: 8q21.3.
Variant type: single nucleotide variant.
Coding change: c.1556A>T on transcript NM_002485.5 (MANE Select); coding-DNA position 1556, A replaced by T.
Protein change: p.Asp519Val; replaces aspartic acid 519 with valine.
Molecular consequence: missense variant.
Genome position (GRCh38, 1-based): chr8:89,953,533, T>A on the plus strand (A>T on the coding strand, the complement: NBN is on the minus strand). VCF-style: chr8-89953533-T-A. GRCh37 (hg19) VCF-style: chr8-90965761-T-A.
Other names: c.1310A>T, p.Asp437Val (NM_001024688.3); short protein forms D437V, D519V.
Identifiers: ClinVar variation 2005122 (VCV002005122.4), dbSNP rs2488232558, ClinGen allele CA371655605.
Genomic context (GRCh38, chr8:89,953,533, plus strand): 5'-GATTTACTGGCAGAATTTTTCACAATAGATTTTAAATCTGTATCTGTAAATAAGTTATTG[T>A]CTGAGTTTGTGTCCACAGGCTCATTCTCAGATAGATGCTGCTCCTTATTTTTCCACAATG-3'
Protein context (NP_002476.2, residues 509-529): SENEPVDTNS[Asp519Val]NNLFTDTDLK

ClinVar aggregate classification (germline): Uncertain significance (1 of 4 stars; one submission).

Conditions:
Microcephaly, normal intelligence and immunodeficiency (NBS). Also called: BERLIN BREAKAGE SYNDROME; Immunodeficiency, microcephaly with normal intelligence; Ataxia telangiectasia variant V1; Nijmegen breakage syndrome; Microcephaly with normal intelligence immunodeficiency and lymphoreticular malignancies; Nonsyndromal microcephaly autosomal recessive with normal intelligence. Identifiers: Orphanet 647, MedGen C0398791, MONDO:0009623, OMIM 251260.

Submission:

Labcorp Genetics (formerly Invitae), Labcorp
Classification: Uncertain significance for Microcephaly, normal intelligence and immunodeficiency. Last evaluated: 2022-06-12. Review status: criteria provided, single submitter. Criteria: Invitae Variant Classification Sherloc (09022015). Collection method: clinical testing. Allele origin: germline.
Comment: Algorithms developed to predict the effect of missense changes on protein structure and function are either unavailable or do not agree on the potential impact of this missense change (SIFT: "Tolerated"; PolyPhen-2: "Possibly Damaging"; Align-GVGD: "Class C0"). This sequence change replaces aspartic acid, which is acidic and polar, with valine, which is neutral and non-polar, at codon 519 of the NBN protein (p.Asp519Val). This variant is not present in population databases (gnomAD no frequency). This variant has not been reported in the literature in individuals affected with NBN-related conditions. In summary, the available evidence is currently insufficient to determine the role of this variant in disease. Therefore, it has been classified as a Variant of Uncertain Significance.